The following is an entry in ClinVar:

ClinVar aggregate classification (germline): Pathogenic (1 of 4 stars; one submission).

Conditions:
Chromosome 19q13.11 deletion syndrome, distal. Identifiers: MedGen C4311048, MONDO:0700107, OMIM 613026.

Submission:

NEI Ophthalmic Genomics Laboratory, National Institutes of Health
Classification: Pathogenic for Chromosome 19q13.11 deletion syndrome, distal. Last evaluated: 2020-09-10. Review status: criteria provided, single submitter. Criteria: ACMG Guidelines, 2015. Collection method: research. Allele origin: germline. Affected: yes.
Comment: The variant NM_005499.2:c.800T>A (p.Leu267Ter) in the UBA2 gene has not been previously studied. This variant is not listed in dbSNP, ClinVar and HGMD. It is absent in gnomAD browser. We invoked ACMG criteria [PVS1, PM2, PM6] and classified NM_005499.2:c.800T>A in the UBA2 gene as a Pathogenic mutation.

NM_005499.3(UBA2):c.800T>A (p.Leu267Ter)

Gene: UBA2 (ubiquitin like modifier activating enzyme 2; plus strand). Cytogenetic location: 19q13.11.
Variant type: single nucleotide variant.
Coding change: c.800T>A on transcript NM_005499.3 (MANE Select); coding-DNA position 800, T replaced by A.
Protein change: p.Leu267Ter; replaces leucine 267 with a stop codon.
Molecular consequence: nonsense.
Genome position (GRCh38, 1-based): chr19:34,450,293, T>A. VCF-style: chr19-34450293-T-A. GRCh37 (hg19) VCF-style: chr19-34941198-T-A.
Other names: short protein forms L267*.
Identifiers: ClinVar variation 977797 (VCV000977797.1), dbSNP rs2075478466, ClinGen allele CA405255563.